The following is an entry in ClinVar:

NM_004312.3(ARR3):c.173G>A (p.Arg58His)

Gene: ARR3 (arrestin 3; plus strand). Cytogenetic location: Xq13.1.
Variant type: single nucleotide variant.
Coding change: c.173G>A on transcript NM_004312.3 (MANE Select); coding-DNA position 173, G replaced by A.
Protein change: p.Arg58His; replaces arginine 58 with histidine.
Molecular consequence: missense variant.
Genome position (GRCh38, 1-based): chrX:70,276,109, G>A. VCF-style: chrX-70276109-G-A. GRCh37 (hg19) VCF-style: chrX-69495959-G-A.
Other names: short protein forms R58H.
Identifiers: ClinVar variation 4821814 (VCV004821814.4).

ClinVar aggregate classification (germline): Likely benign (1 of 4 stars; one submission).

gnomAD v4.1: 32 of 1,209,942 alleles (0.0026%); highest among the groups gnomAD compares: South Asian, 0.012%; no homozygotes.

Submission:

CeGaT Center for Human Genetics Tuebingen
Classification: Likely benign. Last evaluated: 2026-04-01. Review status: criteria provided, single submitter. Criteria: CeGaT Center For Human Genetics Tuebingen Variant Classification Criteria Version 2. Collection method: clinical testing. Allele origin: germline. Affected: yes. Observed: 2 variant alleles.
Comment: ARR3: BP4, BS2